The following is an entry in ClinVar:

NM_182961.4(SYNE1):c.10471G>A (p.Val3491Ile)

Gene: SYNE1 (spectrin repeat containing nuclear envelope protein 1; minus strand). Cytogenetic location: 6q25.2.
Variant type: single nucleotide variant.
Coding change: c.10471G>A on transcript NM_182961.4 (MANE Select); coding-DNA position 10471, G replaced by A.
Protein change: p.Val3491Ile; replaces valine 3491 with isoleucine.
Molecular consequence: missense variant.
Genome position (GRCh38, 1-based): chr6:152,358,510, C>T on the plus strand (G>A on the coding strand, the complement: SYNE1 is on the minus strand). VCF-style: chr6-152358510-C-T. GRCh37 (hg19) VCF-style: chr6-152679645-C-T.
Other names: c.10492G>A, p.Val3498Ile (NM_033071.5); short protein forms V3498I, V3491I.
Identifiers: ClinVar variation 285080 (VCV000285080.13), dbSNP rs886043016, ClinGen allele CA10604993.

ClinVar aggregate classification (germline): Uncertain significance. Review status: criteria provided, multiple submitters, no conflicts (2 of 4 stars). 4 submissions from 3 submitters: Uncertain significance (4). Last evaluated 2022-02-28.

Conditions:
Autosomal recessive ataxia, Beauce type. Also called: Spinocerebellar ataxia, autosomal recessive 8; ATAXIA, RECESSIVE, OF BEAUCE; SYNE1 Deficiency; SYNE1-Related Autosomal Recessive Cerebellar Ataxia. Identifiers: Orphanet 88644, MedGen C1853116, MONDO:0012549, OMIM 610743.
Emery-Dreifuss muscular dystrophy 4, autosomal dominant (EDMD4). Also called: EMERY-DREIFUSS MUSCULAR DYSTROPHY 4 WITH VARIABLE FEATURES. Identifiers: Orphanet 261, MedGen C2751807, MONDO:0013071, OMIM 612998.

Allele frequency attached by ClinVar (database versions not stated): gnomAD exomes 0.00001; TOPMed 0.00002.
gnomAD v4.1: 17 of 1,614,096 alleles (0.0011%); highest among the groups gnomAD compares: Non-Finnish European, 0.0014%; no homozygotes.

Submissions (4):

Labcorp Genetics (formerly Invitae), Labcorp
Classification: Uncertain significance for Emery-Dreifuss muscular dystrophy 4, autosomal dominant; Autosomal recessive ataxia, Beauce type. Last evaluated: 2022-02-28. Review status: criteria provided, single submitter. Criteria: Invitae Variant Classification Sherloc (09022015). Collection method: clinical testing. Allele origin: germline.
Comment: This sequence change replaces valine, which is neutral and non-polar, with isoleucine, which is neutral and non-polar, at codon 3498 of the SYNE1 protein (p.Val3498Ile). This variant is present in population databases (no rsID available, gnomAD 0.003%). This variant has not been reported in the literature in individuals affected with SYNE1-related conditions. ClinVar contains an entry for this variant (Variation ID: 285080). Algorithms developed to predict the effect of missense changes on protein structure and function (SIFT, PolyPhen-2, Align-GVGD) all suggest that this variant is likely to be tolerated. In summary, the available evidence is currently insufficient to determine the role of this variant in disease. Therefore, it has been classified as a Variant of Uncertain Significance.

Illumina Laboratory Services, Illumina
Classification: Uncertain significance for Autosomal recessive ataxia, Beauce type. Last evaluated: 2018-01-13. Review status: criteria provided, single submitter. Criteria: ICSL Variant Classification Criteria 13 December 2019. Collection method: clinical testing. Allele origin: germline.

Illumina Laboratory Services, Illumina
Classification: Uncertain significance for Emery-Dreifuss muscular dystrophy 4, autosomal dominant. Last evaluated: 2018-01-13. Review status: criteria provided, single submitter. Criteria: ICSL Variant Classification Criteria 13 December 2019. Collection method: clinical testing. Allele origin: germline.

Eurofins Ntd Llc (ga)
Classification: Uncertain significance. Last evaluated: 2015-12-04. Review status: criteria provided, single submitter. Criteria: EGL Classification Definitions 2015. Collection method: clinical testing. Allele origin: germline. Observed: 1 variant allele, 1 heterozygote.